The following is an entry in ClinVar:

ClinVar aggregate classification (germline): Uncertain significance (1 of 4 stars; one submission).

Conditions:
Primary ciliary dyskinesia. Also called: Ciliary dyskinesia. Identifiers: Orphanet 244, MedGen C0008780, MONDO:0016575, HP:0012265.

Allele frequency attached by ClinVar (database versions not stated): gnomAD exomes below 0.00001; TOPMed 0.00001.
gnomAD v4.1: 6 of 1,614,168 alleles (0.00037%); highest among the groups gnomAD compares: Admixed American, 0.0017%; no homozygotes.

Submission:

Labcorp Genetics (formerly Invitae), Labcorp
Classification: Uncertain significance for Primary ciliary dyskinesia. Last evaluated: 2022-02-28. Review status: criteria provided, single submitter. Criteria: Invitae Variant Classification Sherloc (09022015). Collection method: clinical testing. Allele origin: germline.
Comment: This sequence change replaces glutamine, which is neutral and polar, with proline, which is neutral and non-polar, at codon 17 of the DNAI2 protein (p.Gln17Pro). This variant is present in population databases (rs777425543, gnomAD 0.0009%). This variant has not been reported in the literature in individuals affected with DNAI2-related conditions. Algorithms developed to predict the effect of missense changes on protein structure and function are either unavailable or do not agree on the potential impact of this missense change (SIFT: "Deleterious"; PolyPhen-2: "Benign"; Align-GVGD: "Class C0"). In summary, the available evidence is currently insufficient to determine the role of this variant in disease. Therefore, it has been classified as a Variant of Uncertain Significance.

NM_023036.6(DNAI2):c.50A>C (p.Gln17Pro)

Gene: DNAI2 (dynein axonemal intermediate chain 2; plus strand). Cytogenetic location: 17q25.1.
Variant type: single nucleotide variant.
Coding change: c.50A>C on transcript NM_023036.6 (MANE Select); coding-DNA position 50, A replaced by C.
Protein change: p.Gln17Pro; replaces glutamine 17 with proline.
Molecular consequence: missense variant. On other transcripts: non-coding transcript variant (1).
Genome position (GRCh38, 1-based): chr17:74,281,867, A>C. VCF-style: chr17-74281867-A-C. GRCh37 (hg19) VCF-style: chr17-72278006-A-C.
Other names: c.50A>C, p.Gln17Pro (NM_001172810.3, NM_001353167.2); short protein forms Q17P.
Identifiers: ClinVar variation 2066332 (VCV002066332.1), dbSNP rs777425543, ClinGen allele CA293900386.